The following is an entry in ClinVar:

NM_000038.6(APC):c.196del (p.Ile66fs)

Gene: APC (APC regulator of Wnt signaling pathway; plus strand). Cytogenetic location: 5q22.2.
Variant type: Deletion.
Coding change: c.196del on transcript NM_000038.6 (MANE Select); coding-DNA position 196, one base deleted (A; older notation c.196delA).
Protein change: p.Ile66fs; shifts the reading frame from isoleucine 66.
Molecular consequence: frameshift variant. On other transcripts: 5 prime UTR variant (1).
Genome position (GRCh38, 1-based): chr5:112,766,386, A deleted. VCF-style (leftmost placement, unchanged base first): chr5-112766385-GA-G. GRCh37 (hg19) VCF-style: chr5-112102082-GA-G.
Other names: c.196del, p.Ile66fs (NM_001127510.3, NM_001354895.2, NM_001354896.2 and 2 more transcripts); c.226del, p.Ile76fs (NM_001127511.3, NM_001354897.2, NM_001354902.2); c.121del, p.Ile41fs (NM_001354898.2, NM_001354904.2); c.19del, p.Ile7fs (NM_001354900.2, NM_001354901.2, NM_001354905.2); c.-840del (NM_001354906.2); short protein forms I66fs, I7fs, I41fs, I76fs.
Identifiers: ClinVar variation 1451755 (VCV001451755.6), dbSNP rs2149784571, ClinGen allele CA2573138597.
Genomic context (GRCh38, chr5:112,766,385, plus strand): 5'-GGAAGTACTTAAACAACTACAAGGAAGTATTGAAGATGAAGCTATGGCTTCTTCTGGACA[GA>G]TTGATTTATTAGAGCGTCTTAAAGGTAGATTTTAAAAAGGTGTTTTAAAATAATTTTTTA-3'

ClinVar aggregate classification (germline): Pathogenic (1 of 4 stars; one submission).

Conditions:
Familial adenomatous polyposis 1 (FAP1). Also called: FAMILIAL ADENOMATOUS POLYPOSIS 1, ATTENUATED; POLYPOSIS, ADENOMATOUS INTESTINAL. Identifiers: MedGen C2713442, MONDO:0021056, OMIM 175100. Disease mechanism: loss of function.

Submission:

Labcorp Genetics (formerly Invitae), Labcorp
Classification: Pathogenic for Familial adenomatous polyposis 1. Last evaluated: 2022-03-14. Review status: criteria provided, single submitter. Criteria: Invitae Variant Classification Sherloc (09022015). Collection method: clinical testing. Allele origin: germline.
Comment: This sequence change creates a premature translational stop signal (p.Ile66Leufs*4) in the APC gene. It is expected to result in an absent or disrupted protein product. Loss-of-function variants in APC are known to be pathogenic (PMID: 17963004, 20685668). This variant is not present in population databases (gnomAD no frequency). This variant has not been reported in the literature in individuals affected with APC-related conditions. Algorithms developed to predict the effect of sequence changes on RNA splicing suggest that this variant may create or strengthen a splice site. For these reasons, this variant has been classified as Pathogenic.

Literature cited by the submitters: PubMed 17963004; PubMed 20685668.